The following is an entry in ClinVar:

ClinVar aggregate classification (germline): Benign. Review status: criteria provided, multiple submitters, no conflicts (2 of 4 stars). 3 submissions from 3 submitters: Benign (2). 1 of the submissions does not count toward it. Last evaluated 2026-02-03.

Conditions:
DSCAML1-related disorder. Also called: DSCAML1-related condition.

Allele frequency attached by ClinVar (database versions not stated): gnomAD 0.19638 and 0.19131; ESP Exome Variant Server 0.16608; ExAC 0.20380; gnomAD exomes 0.21096 and 0.13556; TOPMed 0.22096; 1000 Genomes Project 30x 0.29934; 1000 Genomes Project 0.30411.
gnomAD v4.1: 230,026 of 1,613,902 alleles (14%); highest among the groups gnomAD compares: East Asian, 56%; 24,781 homozygotes.

Submissions (3):

Labcorp Genetics (formerly Invitae), Labcorp
Classification: Benign. Last evaluated: 2026-02-03. Review status: criteria provided, single submitter. Criteria: Invitae Variant Classification Sherloc (09022015). Collection method: clinical testing. Allele origin: germline.

Breakthrough Genomics
Classification: Benign. Review status: criteria provided, single submitter. Criteria: ACMG Guidelines, 2015. Collection method: not provided. Allele origin: germline. Inheritance: Unknown mechanism. Affected: yes.

PreventionGenetics, part of Exact Sciences
Classification: Benign for DSCAML1-related condition. Last evaluated: 2019-10-21. Review status: no assertion criteria provided. Collection method: clinical testing. Allele origin: germline. Not counted in ClinVar's aggregate classification.
Comment: This variant is classified as benign based on ACMG/AMP sequence variant interpretation guidelines (Richards et al. 2015 PMID: 25741868, with internal and published modifications).

NM_020693.4(DSCAML1):c.4104T>C (p.Thr1368=)

Gene: DSCAML1 (DS cell adhesion molecule like 1; minus strand). Cytogenetic location: 11q23.3.
Variant type: single nucleotide variant.
Coding change: c.4104T>C on transcript NM_020693.4 (MANE Select); coding-DNA position 4104, T replaced by C.
Protein change: p.Thr1368=; no amino-acid change (threonine 1368 retained).
Molecular consequence: synonymous variant.
Genome position (GRCh38, 1-based): chr11:117,439,306, A>G on the plus strand (T>C on the coding strand, the complement: DSCAML1 is on the minus strand). VCF-style: chr11-117439306-A-G. GRCh37 (hg19) VCF-style: chr11-117310022-A-G.
Other names: c.4284T>C (NM_020693.3).
Identifiers: ClinVar variation 1646220 (VCV001646220.11), dbSNP rs11216387, ClinGen allele CA6296492.
Genomic context (GRCh38, chr11:117,439,306, plus strand): 5'-CCTGCCTCACAGAGCCTCACCTTGCACCAGAAGGTTGACGATGATGGTGTCAAAGCCACC[A>G]GTGTTGGTGGCCGTGCACGTGTAGTAGCCAGAGTCCTCAGCCTTCACTGCACGCAGCAGC-3'
Protein context (NP_065744.3, residues 1358-1378): SGYYTCTATN[Thr1368=]GGFDTIIVNL